The following is an entry in ClinVar:

ClinVar aggregate classification (germline): Benign/Likely benign. Review status: criteria provided, multiple submitters, no conflicts (2 of 4 stars). 5 submissions from 5 submitters: Benign (1); Likely benign (4). Last evaluated 2024-12-23.

Conditions:
Hereditary nonpolyposis colorectal neoplasms. Identifiers: MedGen C0009405, MeSH D003123.
Hereditary cancer-predisposing syndrome. Also called: Tumor predisposition; Hereditary Cancer Syndrome; Neoplastic Syndromes, Hereditary; Hereditary neoplastic syndrome. Identifiers: Orphanet 140162, MedGen C0027672, MeSH D009386, MONDO:0015356.
Lynch syndrome 5 (LYNCH5). Also called: Colorectal cancer, hereditary nonpolyposis, type 5; Hereditary non-polyposis colorectal cancer, type 5. Identifiers: Orphanet 144, MedGen C1833477, MONDO:0013710, OMIM 614350. Disease mechanism: loss of function.

Allele frequency attached by ClinVar (database versions not stated): TOPMed below 0.00001; gnomAD 0.00001; gnomAD exomes 0.00002.

Submissions (5):

Myriad Genetics, Inc.
Classification: Benign for Lynch syndrome 5. Last evaluated: 2024-12-23. Review status: criteria provided, single submitter. Criteria: Myriad Autosomal Dominant, Autosomal Recessive and X-Linked Classification Criteria (2023). Collection method: clinical testing. Allele origin: unknown.
Comment: This variant is considered benign. This variant is a silent/synonymous amino acid change and it is not expected to impact splicing.

Labcorp Genetics (formerly Invitae), Labcorp
Classification: Likely benign for Hereditary nonpolyposis colorectal neoplasms. Last evaluated: 2023-09-17. Review status: criteria provided, single submitter. Criteria: Invitae Variant Classification Sherloc (09022015). Collection method: clinical testing. Allele origin: germline.

Blueprint Genetics
Classification: Likely benign. Last evaluated: 2023-03-21. Review status: criteria provided, single submitter. Criteria: ACMG Guidelines, 2015. Collection method: clinical testing. Allele origin: germline.

Color Diagnostics, LLC DBA Color Health
Classification: Likely benign for Hereditary cancer-predisposing syndrome. Last evaluated: 2020-03-30. Review status: criteria provided, single submitter. Criteria: ACMG Guidelines, 2015. Collection method: clinical testing. Allele origin: germline.

Ambry Genetics
Classification: Likely benign for Hereditary cancer-predisposing syndrome. Last evaluated: 2016-10-03. Review status: criteria provided, single submitter. Criteria: Ambry Variant Classification Scheme 2023. Collection method: clinical testing. Allele origin: germline.

NM_000179.3(MSH6):c.1185A>C (p.Thr395=)

Gene: MSH6 (mutS homolog 6; plus strand). Cytogenetic location: 2p16.3.
Variant type: single nucleotide variant.
Coding change: c.1185A>C on transcript NM_000179.3 (MANE Select); coding-DNA position 1185, A replaced by C.
Protein change: p.Thr395=; no amino-acid change (threonine 395 retained).
Molecular consequence: synonymous variant.
Genome position (GRCh38, 1-based): chr2:47,799,168, A>C. VCF-style: chr2-47799168-A-C. GRCh37 (hg19) VCF-style: chr2-48026307-A-C.
Other names: c.795A>C, p.Thr265= (NM_001281492.2); c.279A>C, p.Thr93= (NM_001281493.2, NM_001281494.2).
Identifiers: ClinVar variation 483817 (VCV000483817.16), dbSNP rs1159900857, ClinGen allele CA426121147.